The following is an entry in ClinVar:

ClinVar aggregate classification (germline): Pathogenic. Review status: criteria provided, multiple submitters, no conflicts (2 of 4 stars). 23 submissions from 23 submitters: Pathogenic (16). 7 of the submissions do not count toward it. Last evaluated 2026-03-25.

Conditions:
TGM1-related disorder. Also called: TGM1-related condition.
Lamellar ichthyosis. Identifiers: Orphanet 313, MedGen C5848247, MONDO:0017778.
Autosomal recessive congenital ichthyosis (ARCI). Identifiers: Orphanet 281097, MedGen C1274215, MONDO:0017265.
Fetal anomalies with a likely genetic cause.
Autosomal recessive congenital ichthyosis 1 (LI1). Also called: ICHTHYOSIS CONGENITA; ICHTHYOSIS CONGENITA II; LAMELLAR EXFOLIATION OF NEWBORN; ICHTHYOSIS, CONGENITAL, AUTOSOMAL RECESSIVE 1, WITH OR WITHOUT BATHING SUIT DISTRIBUTION; ICHTHYOSIS, CONGENITAL, AUTOSOMAL RECESSIVE 1, WITH BATHING SUIT DISTRIBUTION; COLLODION FETUS. Identifiers: MedGen C4551630, MONDO:0009441, OMIM 242300.

Allele frequency attached by ClinVar (database versions not stated): 1000 Genomes Project 30x 0.00016; 1000 Genomes Project 0.00020; TOPMed 0.00026; gnomAD 0.00027; gnomAD exomes 0.00031 and 0.00055; ExAC 0.00034; ESP Exome Variant Server 0.00046.
gnomAD v4.1: 825 of 1,612,990 alleles (0.051%); highest among the groups gnomAD compares: Non-Finnish European, 0.066%; no homozygotes.

Submissions 1 to 12 of 27:

Genetics Laboratory, Great Ormond Street Hospital NHS Foundation Trust, North Thames Genomic Laboratory Hub
Classification: Pathogenic for Fetal anomalies with a likely genetic cause. Last evaluated: 2026-03-25. Review status: criteria provided, single submitter. Criteria: ACGS Best Practice Guidelines for Variant Classification in Rare Disease 2024 v1.2. Collection method: clinical testing. Allele origin: germline. Affected: yes.
Comment: PVS1_strong, PM3_very-strong

Labcorp Genetics (formerly Invitae), Labcorp
Classification: Pathogenic. Last evaluated: 2026-01-18. Review status: criteria provided, single submitter. Criteria: Invitae Variant Classification Sherloc (09022015). Collection method: clinical testing. Allele origin: germline.
Comment: This sequence change affects an acceptor splice site in intron 5 of the TGM1 gene. RNA analysis indicates that disruption of this splice site induces altered splicing and may result in an absent or altered protein product. This variant is present in population databases (rs142634031, gnomAD 0.06%). Disruption of this splice site has been observed in individuals with congenital ichthyosis (PMID: 7824952, 10914678, 19241467, 27025581, 28403434). ClinVar contains an entry for this variant (Variation ID: 279911). Studies have shown that disruption of this splice site results in inclusion of intron 5 or an insertion of a single nucleotide between exons 5 and 6, and produces a non-functional protein and/or introduces a premature termination codon (PMID: 7824952, 10914678). For these reasons, this variant has been classified as Pathogenic.

Natera, Inc.
Classification: Pathogenic for Autosomal recessive congenital ichthyosis type 1. Last evaluated: 2025-09-27. Review status: criteria provided, single submitter. Criteria: Natera Variant Classification Schema (03/2026). Collection method: clinical testing. Allele origin: germline.
Comment: The c.877-2A>G variant in TGM1 is a canonical splice acceptor site variant predicted to affect pre-mRNA splicing, which may result in an abnormal transcript and altered protein product. This variant is expected to result in nonsense mediated decay, truncation, or a dysfunctional protein product. This variant is rare in the general population with a frequency below the threshold expected for the associated phenotype(s). This variant has been observed in one or more individuals affected with the associated recessive disease, as either homozygous or compound heterozygous with a second variant (PMID: 27025581). Given the available evidence, this variant is classified as Pathogenic.

Dasa
Classification: Pathogenic. Last evaluated: 2025-04-29. Review status: criteria provided, single submitter. Criteria: DASA Assertion Criteria. Collection method: clinical testing. Allele origin: germline.
Comment: NM_000359.3(TGM1):c.877-2A>G introduces a premature termination codon predicted to result in loss of normal protein function. Loss-of-function is an established mechanism of disease for this gene. This variant results in the same amino acid change as a previously established pathogenic variant. Segregation evidence has been reported in affected families. This variant has been observed in affected individuals with related phenotype in a genotype context consistent with recessive disease (PMID: 7824952; PMID: 10914678; PMID: 19241467). Functional evidence supports a deleterious effect on the gene or gene product (PMID: 7824952; PMID: 10914678; PMID: 19241467). This variant has been recurrently observed in individuals with related phenotype (PMID: 7824952; PMID: 10914678; PMID: 19241467). The variant is present at low frequency in population datasets. Based on the available data, this variant is classified as pathogenic.

Variantyx, Inc.
Classification: Pathogenic for Autosomal recessive congenital ichthyosis 1. Last evaluated: 2025-03-12. Review status: criteria provided, single submitter. Criteria: Variantyx Assertion Criteria 2022. Collection method: clinical testing. Allele origin: germline. Affected: yes.
Comment: This is a canonical splicing variant in the TGM1 gene (OMIM: 190195). Pathogenic variants in this gene have been associated with autosomal recessive congenital ichthyoses 1. This variant has been identified in the homozygous or compound heterozygous state in at least 5 individual(s) from the published literature (PMID: 10914678, 29444371) (PM3_Strong). This variant has been observed to segregate with disease in at least 3 individuals from families (PMID: 10914678) (PP1_Moderate). This variant has a 0.0664% maximum allele frequency in non-founder control populations (PM2_Supporting). Based on the current evidence, this variant is classified as pathogenic for autosomal recessive congenital ichthyoses 1.

Blueprint Genetics
Classification: Pathogenic for TGM1-related disorders. Last evaluated: 2024-11-05. Review status: criteria provided, single submitter. Criteria: ACMG Guidelines, 2015. Collection method: clinical testing. Allele origin: germline. Affected: yes. Observed: 5 variant alleles.

Women's Health and Genetics/Laboratory Corporation of America, LabCorp
Classification: Pathogenic for Lamellar ichthyosis. Last evaluated: 2024-08-08. Review status: criteria provided, single submitter. Criteria: LabCorp Variant Classification Summary - May 2015. Collection method: clinical testing. Allele origin: germline.
Comment: Variant summary: TGM1 c.877-2A>G is located in a canonical splice-site and is predicted to affect mRNA splicing resulting in a significantly altered protein due to either exon skipping, shortening, or inclusion of intronic material. Variants that disrupt the consensus splice site are a relatively common cause of aberrant splicing and loss of TGM1 function. Several computational tools predict a significant impact on normal splicing: Four predict the variant abolishes a 3' acceptor site. The variant allele was found at a frequency of 0.00031 in 248880 control chromosomes. This frequency is not significantly higher than estimated for a pathogenic variant in TGM1 causing Lamellar Ichthyosis (0.00031 vs 0.0021), allowing no conclusion about variant significance. c.877-2A>G has been reported in the literature in multiple compound heterozygous and homozygous individuals affected with Lamellar Ichthyosis (e.g., Pigg_2016). These data indicate that the variant is very likely to be associated with disease. The following publication was ascertained in the context of this evaluation (PMID: 27025581). ClinVar contains an entry for this variant (Variation ID: 279911). Based on the evidence outlined above, the variant was classified as pathogenic.

Fulgent Genetics
Classification: Pathogenic for Autosomal recessive congenital ichthyosis 1. Last evaluated: 2024-03-21. Review status: criteria provided, single submitter. Criteria: ACMG Guidelines, 2015. Collection method: clinical testing. Allele origin: germline.

Department of Pathology and Laboratory Medicine, Sinai Health System
Classification: Pathogenic for Autosomal recessive congenital ichthyosis 1. Last evaluated: 2023-08-29. Review status: criteria provided, single submitter. Criteria: ACMG Guidelines, 2015. Collection method: research. Allele origin: germline.

Victorian Clinical Genetics Services, Murdoch Childrens Research Institute
Classification: Pathogenic for Autosomal recessive congenital ichthyosis 1. Last evaluated: 2022-09-02. Review status: criteria provided, single submitter. Criteria: ACMG Guidelines, 2015. Collection method: clinical testing. Allele origin: germline. Inheritance: Autosomal recessive inheritance. Affected: yes.
Comment: Based on the classification scheme VCGS_Germline_v1.3.4, this variant is classified as Pathogenic. Following criteria are met: 0102 - Loss of function is a known mechanism of disease in this gene and is associated with autosomal recessive congenital ichthyosis 1 (MIM#242300). (I) 0106 - This gene is associated with autosomal recessive disease. (I) 0210 - Splice site variant proven to affect splicing of the transcript with a known effect on protein sequence. Functional studies showed this variant resulted in abnormal splicing and predicted to result in premature protein termination (PMID: 10914678). (SP) 0251 - This variant is heterozygous. (I) 0304 - Variant is present in gnomAD (v2) <0.01 for a recessive condition (85 heterozygotes, 0 homozygotes). (SP) 0505 - Abnormal splicing is predicted by in silico tools and affected nucleotide is highly conserved. (SP) 0801 - This variant has strong previous evidence of pathogenicity in unrelated individuals. This variant has been previously reported in individuals with ichthyosis (ClinVar, PMID: 7824952, PMID: 10914678, PMID: 16968736). (SP) 1201 - Heterozygous variant detected in trans with a second pathogenic heterozygous variant (c.790C>T) in a recessive disease. (I) Legend: (SP) - Supporting pathogenic, (I) - Information, (SB) - Supporting benign

Clinical Genetics Laboratory, Skane University Hospital Lund
Classification: Pathogenic. Last evaluated: 2022-07-13. Review status: criteria provided, single submitter. Criteria: ACMG Guidelines, 2015. Collection method: clinical testing. Allele origin: germline. Affected: yes.

Revvity Omics, Revvity
Classification: Pathogenic for Autosomal recessive congenital ichthyosis 1. Last evaluated: 2022-06-08. Review status: criteria provided, single submitter. Criteria: ACMG Guidelines, 2015. Collection method: clinical testing. Allele origin: germline.

NM_000359.3(TGM1):c.877-2A>G

Gene: TGM1 (transglutaminase 1; minus strand). Cytogenetic location: 14q12.
Variant type: single nucleotide variant.
Coding change: c.877-2A>G on transcript NM_000359.3 (MANE Select); the canonical splice acceptor site of the intron before coding-DNA position 877, A replaced by G.
Molecular consequence: splice acceptor variant.
Genome position (GRCh38, 1-based): chr14:24,259,813, T>C on the plus strand (A>G on the coding strand, the complement: TGM1 is on the minus strand). VCF-style: chr14-24259813-T-C. GRCh37 (hg19) VCF-style: chr14-24729019-T-C.
Other names: IVS5-2A>G; IVS5, A-G, -2.
Identifiers: ClinVar variation 279911 (VCV000279911.51), dbSNP rs142634031, ClinGen allele CA7131245.